The following is an entry in ClinVar:

NM_016507.4(CDK12):c.4045A>G (p.Ser1349Gly)

Gene: CDK12 (cyclin dependent kinase 12; plus strand). Cytogenetic location: 17q12.
Variant type: single nucleotide variant.
Coding change: c.4045A>G on transcript NM_016507.4 (MANE Select); coding-DNA position 4045, A replaced by G.
Protein change: p.Ser1349Gly; replaces serine 1349 with glycine.
Molecular consequence: missense variant.
Genome position (GRCh38, 1-based): chr17:39,530,888, A>G. VCF-style: chr17-39530888-A-G. GRCh37 (hg19) VCF-style: chr17-37687141-A-G.
Other names: c.4018A>G, p.Ser1340Gly (NM_015083.4); short protein forms S1349G, S1340G.
Identifiers: ClinVar variation 4224212 (VCV004224212.1).

ClinVar aggregate classification (germline): Uncertain significance (1 of 4 stars; one submission).

gnomAD v4.1: 1 of 1,614,220 alleles (0.000062%); no homozygotes.

Submission:

Ambry Genetics
Classification: Uncertain significance. Last evaluated: 2025-06-22. Review status: criteria provided, single submitter. Criteria: Ambry Variant Classification Scheme 2023. Collection method: clinical testing. Allele origin: germline.
Comment: The p.S1349G variant (also known as c.4045A>G), located in coding exon 14 of the CDK12 gene, results from an A to G substitution at nucleotide position 4045. The serine at codon 1349 is replaced by glycine, an amino acid with similar properties. This amino acid position is conserved. In addition, this alteration is predicted to be tolerated by in silico analysis. Based on the available evidence, the clinical significance of this variant remains unclear.